The following is an entry in ClinVar:

NM_001191061.2(SLC25A22):c.742+19G>A

Gene: SLC25A22 (solute carrier family 25 member 22; minus strand). Cytogenetic location: 11p15.5.
Variant type: single nucleotide variant.
Coding change: c.742+19G>A on transcript NM_001191061.2 (MANE Select); 19 bases into the intron after coding-DNA position 742, G replaced by A.
Molecular consequence: intron variant.
Genome position (GRCh38, 1-based): chr11:792,285, C>T on the plus strand (G>A on the coding strand, the complement: SLC25A22 is on the minus strand). VCF-style: chr11-792285-C-T. GRCh37 (hg19) VCF-style: chr11-792285-C-T.
Other names: c.742+19G>A (NM_001191060.2, NM_024698.6).
Identifiers: ClinVar variation 139143 (VCV000139143.11), dbSNP rs373084007, ClinGen allele CA293525.

ClinVar aggregate classification (germline): Benign/Likely benign. Review status: criteria provided, multiple submitters, no conflicts (2 of 4 stars). 4 submissions from 4 submitters: Benign (3); Likely benign (1). Last evaluated 2024-10-16.

Conditions:
Early-infantile DEE. Also called: Early infantile epileptic encephalopathy with suppression bursts; Early infantile epileptic encephalopathy; Ohtahara syndrome. Identifiers: Orphanet 1934, MedGen C0393706, MONDO:0800491.

Allele frequency attached by ClinVar (database versions not stated): gnomAD below 0.00001 and 0.00001; TOPMed 0.00002; ExAC 0.00008; ESP Exome Variant Server 0.00008; gnomAD exomes 0.00008.

Submissions (4):

Labcorp Genetics (formerly Invitae), Labcorp
Classification: Benign for Early-infantile DEE. Last evaluated: 2024-10-16. Review status: criteria provided, single submitter. Criteria: Invitae Variant Classification Sherloc (09022015). Collection method: clinical testing. Allele origin: germline.

Blueprint Genetics
Classification: Likely benign. Last evaluated: 2023-08-17. Review status: criteria provided, single submitter. Criteria: ACMG Guidelines, 2015. Collection method: clinical testing. Allele origin: germline.

GeneDx
Classification: Benign. Last evaluated: 2014-01-15. Review status: criteria provided, single submitter. Criteria: GeneDx Variant Classification (06012015). Collection method: clinical testing. Allele origin: germline. Affected: yes.
Comment: This variant is considered likely benign or benign based on one or more of the following criteria: it is a conservative change, it occurs at a poorly conserved position in the protein, it is predicted to be benign by multiple in silico algorithms, and/or has population frequency not consistent with disease.

Breakthrough Genomics
Classification: Benign. Review status: criteria provided, single submitter. Criteria: ACMG Guidelines, 2015. Collection method: not provided. Allele origin: germline. Inheritance: Autosomal recessive inheritance. Affected: yes.